The following is an entry in ClinVar:

ClinVar aggregate classification (germline): Pathogenic/Likely pathogenic. Review status: criteria provided, multiple submitters, no conflicts (2 of 4 stars). 14 submissions from 14 submitters: Pathogenic (12); Likely pathogenic (1). 1 of the submissions does not count toward it. Last evaluated 2026-07-24.

Conditions:
SCN1A-related disorder. Also called: SCN1A-related conditions; SCN1A-related condition; SCN1A-related disorders.
Migraine, familial hemiplegic, 3. Identifiers: Orphanet 569, MedGen C1864987, MONDO:0012320, OMIM 609634.
Developmental and epileptic encephalopathy 6B. Also called: Developmental and epileptic encephalopathy 6B, non-Dravet. Identifiers: MedGen C5543353, MONDO:0030268, OMIM 619317.
Severe myoclonic epilepsy in infancy (DRVT). Also called: DEVELOPMENTAL AND EPILEPTIC ENCEPHALOPATHY 6A; Severe Myoclonic Epilepsy in Infancy (SMEI); Dravet syndrome; SEVERE MYOCLONIC EPILEPSY OF INFANCY; Epileptic encephalopathy, early infantile, 6 (Dravet syndrome). Identifiers: Orphanet 33069, MedGen C0751122, MONDO:0100135, OMIM 607208.
Generalized epilepsy with febrile seizures plus, type 2 (GEFSP2). Also called: GEFS+, TYPE 2. Identifiers: Orphanet 36387, MedGen C1858673, MONDO:0011461, OMIM 604403.
Early-infantile DEE. Also called: Early infantile epileptic encephalopathy with suppression bursts; Ohtahara syndrome; Early infantile epileptic encephalopathy. Identifiers: Orphanet 1934, MedGen C0393706, MONDO:0800491.
Epilepsy. Also called: Seizure disorder. Identifiers: MedGen C0014544, MeSH D004827, MONDO:0005027.
Mild intellectual disability. Identifiers: MedGen C0026106, HP:0001256.
Seizure. Also called: Seizures. Identifiers: MedGen C0036572, HP:0001250.

Submissions (14):

Cytogénomique, Hospices Civils de Lyon
Classification: Pathogenic for Epilepsy. Last evaluated: 2026-07-24. Review status: criteria provided, single submitter. Criteria: ACMG Guidelines, 2015. Collection method: clinical testing. Allele origin: germline. Affected: yes.

Labcorp Genetics (formerly Invitae), Labcorp
Classification: Pathogenic for Early-infantile DEE. Last evaluated: 2025-12-01. Review status: criteria provided, single submitter. Criteria: Invitae Variant Classification Sherloc (09022015). Collection method: clinical testing. Allele origin: germline.
Comment: This sequence change replaces arginine, which is basic and polar, with cysteine, which is neutral and slightly polar, at codon 393 of the SCN1A protein (p.Arg393Cys). This variant is not present in population databases (gnomAD no frequency). This missense change has been observed in individual(s) with Dravet syndrome (PMID: 17054684, 18930999, 21868258, 22848613, 23934111). In at least one individual the variant was observed to be de novo. This variant is also known as 2:166903480G>A. ClinVar contains an entry for this variant (Variation ID: 68505). Invitae Evidence Modeling of protein sequence and biophysical properties (such as structural, functional, and spatial information, amino acid conservation, physicochemical variation, residue mobility, and thermodynamic stability) indicates that this missense variant is expected to disrupt SCN1A protein function with a positive predictive value of 95%. For these reasons, this variant has been classified as Pathogenic.

3billion
Classification: Pathogenic for SCN1A-related disorder. Last evaluated: 2025-10-01. Review status: criteria provided, single submitter. Criteria: ACMG Guidelines, 2015. Collection method: clinical testing. Allele origin: germline. Affected: yes.
Comment: The variant is not observed in the gnomAD v4.1.0 dataset. Predicted Consequence/Location: Missense variant In silico tool predictions suggest damaging effect of the variant on gene or gene product [REVEL: 0.90 (>=0.6, sensitivity 0.68 and specificity 0.92); 3Cnet: 0.99 (> 0.75, sensitivity 0.96 and precision 0.92)]. The same nucleotide change resulting in the same amino acid change has been previously reported as pathogenic/likely pathogenic with strong evidence (ClinVar ID: VCV000068505 /PMID: 17054684 /3billion dataset). The variant has been previously reported as assumed (i.e. paternity and maternity not confirmed) de novo in at least one similarly affected unrelated individual (PMID: 17054684). Different missense changes at the same codon (p.Arg393Gly, p.Arg393His, p.Arg393Leu, p.Arg393Pro, p.Arg393Ser) have been reported as pathogenic/likely pathogenic with strong evidence (ClinVar ID: VCV000068504, VCV000068506, VCV000530476, VCV002848903 /PMID: 12754708, 17054684, 28202706, 34338318). Therefore, this variant is classified as Pathogenic according to the recommendation of ACMG/AMP guideline.

Department of Neurology, Zibo Changguo Hospital
Classification: Pathogenic for Severe myoclonic epilepsy in infancy. Last evaluated: 2025-01-09. Review status: criteria provided, single submitter. Criteria: ACMG Guidelines, 2015. Collection method: clinical testing. Allele origin: de novo. Inheritance: Autosomal dominant inheritance. Affected: yes.
Comment: PS2_Very Strong, PM1, PM2_Supporting, PM5_Strong, PP3_Morderate

GeneDx
Classification: Pathogenic. Last evaluated: 2024-01-03. Review status: criteria provided, single submitter. Criteria: GeneDx Variant Classification Process June 2021. Collection method: clinical testing. Allele origin: germline. Affected: yes.
Comment: This substitution is predicted to be within the extracellular loop between the S5 and S6 transmembrane segments of the first homologous domain.; In silico analysis supports that this missense variant has a deleterious effect on protein structure/function; Not observed at significant frequency in large population cohorts (gnomAD); This variant is associated with the following publications: (PMID: 17347258, 29186148, 17054684, 18930999, 24502503, 17561957, 23934111, 21868258, 32090326, 31873310, 35074891, 31440721)

Mayo Clinic Laboratories, Mayo Clinic
Classification: Pathogenic. Last evaluated: 2022-03-11. Review status: criteria provided, single submitter. Criteria: ACMG Guidelines, 2015. Collection method: clinical testing. Allele origin: germline. Observed: 1 variant allele.
Comment: PP3, PM1, PM2, PM5, PM6, PS2, PS4_moderate

Blueprint Genetics
Classification: Pathogenic for SCN1A-related disorders. Last evaluated: 2021-03-25. Review status: criteria provided, single submitter. Criteria: ACMG Guidelines, 2015. Collection method: clinical testing. Allele origin: germline. Affected: yes. Observed: 2 variant alleles.

Unidad de Genómica Garrahan, Hospital de Pediatría Garrahan
Classification: Likely pathogenic for Severe myoclonic epilepsy in infancy. Last evaluated: 2021-01-01. Review status: criteria provided, single submitter. Criteria: ACMG Guidelines, 2015. Collection method: clinical testing. Allele origin: de novo. Affected: yes. Observed: 1 variant allele.

Mendelics
Classification: Pathogenic for Severe myoclonic epilepsy in infancy. Last evaluated: 2019-05-28. Review status: criteria provided, single submitter. Criteria: Mendelics Assertion Criteria 2017. Collection method: clinical testing. Allele origin: unknown.

Center of Genomic medicine, Geneva, University Hospital of Geneva
Classification: Pathogenic for Seizure; Mild intellectual disability. Last evaluated: 2018-08-06. Review status: criteria provided, single submitter. Criteria: ACMG Guidelines, 2015. Collection method: clinical testing. Allele origin: germline. Affected: yes. Observed: 1 variant allele.

CeGaT Center for Human Genetics Tuebingen
Classification: Pathogenic. Last evaluated: 2018-05-01. Review status: criteria provided, single submitter. Criteria: CeGaT Center For Human Genetics Tuebingen Variant Classification Criteria Version 2. Collection method: clinical testing. Allele origin: germline. Affected: yes. Observed: 2 variant alleles.

Eurofins Ntd Llc (ga)
Classification: Pathogenic. Last evaluated: 2014-09-24. Review status: criteria provided, single submitter. Criteria: EGL Classification Definitions 2015. Collection method: clinical testing. Allele origin: germline. Observed: 1 variant allele, 1 heterozygote.

Suma Genomics
Classification: Pathogenic for Developmental and epileptic encephalopathy 6B; Severe myoclonic epilepsy in infancy; Generalized epilepsy with febrile seizures plus, type 2; Migraine, familial hemiplegic, 3. Review status: criteria provided, single submitter. Criteria: ACMG Guidelines, 2015. Collection method: clinical testing. Allele origin: de novo. Inheritance: Autosomal dominant inheritance. Affected: yes.

UniProtKB/Swiss-Prot
No classification provided. Condition: Severe myoclonic epilepsy in infancy. Review status: no classification provided. Collection method: not provided. Allele origin: unknown. Not counted in ClinVar's aggregate classification.
Comment: Some patients have myoclonic astatic epilepsy

Literature cited by the submitters: PubMed 17054684 (cited by 3 submitters); PubMed 18930999 (cited by Labcorp Genetics (formerly Invitae), Labcorp); PubMed 21868258 (cited by Labcorp Genetics (formerly Invitae), Labcorp and Mayo Clinic Laboratories, Mayo Clinic); PubMed 22848613 (cited by Labcorp Genetics (formerly Invitae), Labcorp and Mayo Clinic Laboratories, Mayo Clinic); PubMed 23934111 (cited by Labcorp Genetics (formerly Invitae), Labcorp and Mayo Clinic Laboratories, Mayo Clinic); PubMed 12754708 (cited by 3billion); PubMed 19585586 (cited by Mayo Clinic Laboratories, Mayo Clinic and Eurofins Ntd Llc (ga)); PubMed 24502503 (cited by Mayo Clinic Laboratories, Mayo Clinic); PubMed 29186148 (cited by Mayo Clinic Laboratories, Mayo Clinic); PubMed 32090326 (cited by Mayo Clinic Laboratories, Mayo Clinic); DOI 10.1055/s-0044-1786365 (cited by Unidad de Genómica Garrahan, Hospital de Pediatría Garrahan).

NM_001165963.4(SCN1A):c.1177C>T (p.Arg393Cys)

Gene: SCN1A (sodium voltage-gated channel alpha subunit 1; minus strand). Cytogenetic location: 2q24.3.
Variant type: single nucleotide variant.
Coding change: c.1177C>T on transcript NM_001165963.4 (MANE Select); coding-DNA position 1177, C replaced by T.
Protein change: p.Arg393Cys; replaces arginine 393 with cysteine.
Molecular consequence: missense variant. On other transcripts: 5 prime UTR variant (1), non-coding transcript variant (1).
Genome position (GRCh38, 1-based): chr2:166,046,970, G>A on the plus strand (C>T on the coding strand, the complement: SCN1A is on the minus strand). VCF-style: chr2-166046970-G-A. GRCh37 (hg19) VCF-style: chr2-166903480-G-A.
Other names: p.R393C:CGT>TGT; NP_001159435.1:p.(Arg393Cys); c.1177C>T, p.Arg393Cys (NM_001165964.3, NM_001202435.3, NM_001353948.2 and 10 more transcripts); c.-1249C>T (NM_001353961.2); short protein forms R393C.
Identifiers: ClinVar variation 68505 (VCV000068505.64), dbSNP rs121917929, ClinGen allele CA284868.
Genomic context (GRCh38, chr2:166,046,970, plus strand): 5'-AGAATGAGCCCAAGAAAATGACCAATACAAAAAATATCATGTACGTTTTCCCAGCAGCAC[G>A]TAATGTCTGCAAACAAAAATATCAGAATTATTTCTCAATATTATTTCACTAAGTGGTGGC-3'
Protein context (NP_001159435.1, residues 383-403): FWENLYQLTL[Arg393Cys]AAGKTYMIFF